The following is an entry in ClinVar:

ClinVar aggregate classification (germline): Uncertain significance (1 of 4 stars; one submission).

gnomAD v4.1: 1 of 1,614,172 alleles (0.000062%); highest among the groups gnomAD compares: Non-Finnish European, 0.000085%; no homozygotes.

Submission:

Ambry Genetics
Classification: Uncertain significance. Last evaluated: 2025-04-05. Review status: criteria provided, single submitter. Criteria: Ambry Variant Classification Scheme 2023. Collection method: clinical testing. Allele origin: germline.
Comment: The p.L1736F variant (also known as c.5206C>T), located in coding exon 45 of the KIF1B gene, results from a C to T substitution at nucleotide position 5206. The leucine at codon 1736 is replaced by phenylalanine, an amino acid with highly similar properties. This amino acid position is conserved. In addition, this alteration is predicted to be tolerated by in silico analysis. Based on the available evidence, the clinical significance of this variant remains unclear.

NM_001365951.3(KIF1B):c.5344C>T (p.Leu1782Phe)

Gene: KIF1B (kinesin family member 1B; plus strand). Cytogenetic location: 1p36.22.
Variant type: single nucleotide variant.
Coding change: c.5344C>T on transcript NM_001365951.3 (MANE Select); coding-DNA position 5344, C replaced by T.
Protein change: p.Leu1782Phe; replaces leucine 1782 with phenylalanine.
Molecular consequence: missense variant.
Genome position (GRCh38, 1-based): chr1:10,375,309, C>T. VCF-style: chr1-10375309-C-T. GRCh37 (hg19) VCF-style: chr1-10435367-C-T.
Other names: c.5344C>T, p.Leu1782Phe (NM_001365952.1); c.5206C>T, p.Leu1736Phe (NM_015074.3); short protein forms L1736F, L1782F.
Identifiers: ClinVar variation 4043100 (VCV004043100.1).